The following is an entry in ClinVar:

ClinVar aggregate classification (germline): Likely pathogenic (1 of 4 stars; one submission).

Submission:

GeneDx
Classification: Likely pathogenic. Last evaluated: 2023-03-17. Review status: criteria provided, single submitter. Criteria: GeneDx Variant Classification Process June 2021. Collection method: clinical testing. Allele origin: germline. Affected: yes.
Comment: Has not been previously published as pathogenic or benign to our knowledge; Not observed at significant frequency in large population cohorts (gnomAD); Frameshift variant predicted to result in protein truncation or nonsense mediated decay in a gene for which loss of function is a known mechanism of disease; Located in the A-band region of TTN in which the majority of loss of function variants have been associated with autosomal dominant titinopathies (Herman et al., 2012); This variant is associated with the following publications: (PMID: 22335739)

NM_001267550.2(TTN):c.56318del (p.Ala18773fs)

Genes: TTN (titin; minus strand), TTN-AS1 (TTN antisense RNA 1; plus strand). Cytogenetic location: 2q31.2.
Variant type: Deletion.
Coding change: c.56318del on transcript NM_001267550.2 (MANE Select); coding-DNA position 56318, one base deleted (C; older notation c.56318delC).
Protein change: p.Ala18773fs; shifts the reading frame from alanine 18773.
Molecular consequence: frameshift variant.
Genome position (GRCh38, 1-based): chr2:178,599,583, G deleted on the plus strand (C on the coding strand, the reverse complement: TTN is on the minus strand). VCF-style (leftmost placement, unchanged base first): chr2-178599582-TG-T. GRCh37 (hg19) VCF-style: chr2-179464309-TG-T.
Other names: c.51395del, p.Ala17132fs (NM_001256850.1); c.56318delC, p.Ala18773Aspfs (NM_001267550.1); c.29123del, p.Ala9708fs (NM_003319.4); c.48614del, p.Ala16205fs (NM_133378.4); c.29498del, p.Ala9833fs (NM_133432.3); c.29699del, p.Ala9900fs (NM_133437.4); short protein forms A16205fs, A17132fs, A18773fs, A9708fs, A9833fs, A9900fs.
Identifiers: ClinVar variation 2580104 (VCV002580104.1), dbSNP rs2469900458, ClinGen allele CA2577170721.
Genomic context (GRCh38, chr2:178,599,582, plus strand): 5'-AAGTAATTTTAACCAAACCATGCAGTCTTTACCCAGGACATTCAGTCTCATCTCCTTTGA[TG>T]CTGTTCCCAGATTATTTACAGCTGTGATGGTATATAAGCCAGTGTCACTCCTGCGAGACT-3'